The following is an entry in ClinVar:

NM_020778.5(ALPK3):c.2536G>C (p.Gly846Arg)

Gene: ALPK3 (alpha kinase 3; plus strand). Cytogenetic location: 15q25.3.
Variant type: single nucleotide variant.
Coding change: c.2536G>C on transcript NM_020778.5 (MANE Select); coding-DNA position 2536, G replaced by C.
Protein change: p.Gly846Arg; replaces glycine 846 with arginine.
Molecular consequence: missense variant.
Genome position (GRCh38, 1-based): chr15:84,857,274, G>C. VCF-style: chr15-84857274-G-C. GRCh37 (hg19) VCF-style: chr15-85400505-G-C.
Other names: short protein forms G846R.
Identifiers: ClinVar variation 1492474 (VCV001492474.11), dbSNP rs202153052, ClinGen allele CA7709442.

ClinVar aggregate classification (germline): Uncertain significance. Review status: criteria provided, multiple submitters, no conflicts (2 of 4 stars). 2 submissions from 2 submitters: Uncertain significance (2). Last evaluated 2025-12-08.

Conditions:
Cardiovascular phenotype. Identifiers: MedGen CN230736.

Allele frequency attached by ClinVar (database versions not stated): gnomAD 0.00001.
gnomAD v4.1: 22 of 1,613,972 alleles (0.0014%); highest among the groups gnomAD compares: Admixed American, 0.035%; no homozygotes.

Submissions (2):

Labcorp Genetics (formerly Invitae), Labcorp
Classification: Uncertain significance. Last evaluated: 2025-12-08. Review status: criteria provided, single submitter. Criteria: Invitae Variant Classification Sherloc (09022015). Collection method: clinical testing. Allele origin: germline.
Comment: This sequence change replaces glycine, which is neutral and non-polar, with arginine, which is basic and polar, at codon 1048 of the ALPK3 protein (p.Gly1048Arg). This variant is present in population databases (rs202153052, gnomAD 0.05%). This variant has not been reported in the literature in individuals affected with ALPK3-related conditions. ClinVar contains an entry for this variant (Variation ID: 1492474). Invitae Evidence Modeling of protein sequence and biophysical properties (such as structural, functional, and spatial information, amino acid conservation, physicochemical variation, residue mobility, and thermodynamic stability) indicates that this missense variant is not expected to disrupt ALPK3 protein function with a negative predictive value of 80%. In summary, the available evidence is currently insufficient to determine the role of this variant in disease. Therefore, it has been classified as a Variant of Uncertain Significance.

Ambry Genetics
Classification: Uncertain significance for Cardiovascular phenotype. Last evaluated: 2024-06-09. Review status: criteria provided, single submitter. Criteria: Ambry Variant Classification Scheme 2023. Collection method: clinical testing. Allele origin: germline.
Comment: The p.G1048R variant (also known as c.3142G>C), located in coding exon 6 of the ALPK3 gene, results from a G to C substitution at nucleotide position 3142. The glycine at codon 1048 is replaced by arginine, an amino acid with dissimilar properties. This amino acid position is conserved. In addition, this alteration is predicted to be tolerated by in silico analysis. Since supporting evidence is limited at this time, the clinical significance of this alteration remains unclear.